The following is an entry in ClinVar:

ClinVar aggregate classification (germline): Uncertain significance (1 of 4 stars; one submission).

Allele frequency attached by ClinVar (database versions not stated): gnomAD exomes below 0.00001; gnomAD 0.00001; TOPMed 0.00003.
gnomAD v4.1: 4 of 1,614,080 alleles (0.00025%); highest among the groups gnomAD compares: African/African-American, 0.0027%; no homozygotes.

Submission:

Labcorp Genetics (formerly Invitae), Labcorp
Classification: Uncertain significance. Last evaluated: 2023-03-06. Review status: criteria provided, single submitter. Criteria: Invitae Variant Classification Sherloc (09022015). Collection method: clinical testing. Allele origin: germline.
Comment: In summary, the available evidence is currently insufficient to determine the role of this variant in disease. Therefore, it has been classified as a Variant of Uncertain Significance. Advanced modeling of protein sequence and biophysical properties (such as structural, functional, and spatial information, amino acid conservation, physicochemical variation, residue mobility, and thermodynamic stability) performed at Invitae indicates that this missense variant is not expected to disrupt TGM6 protein function. This variant has not been reported in the literature in individuals affected with TGM6-related conditions. This variant is present in population databases (no rsID available, gnomAD 0.008%). This sequence change replaces histidine, which is basic and polar, with arginine, which is basic and polar, at codon 405 of the TGM6 protein (p.His405Arg).

NM_198994.3(TGM6):c.1214A>G (p.His405Arg)

Gene: TGM6 (transglutaminase 6; plus strand). Cytogenetic location: 20p13.
Variant type: single nucleotide variant.
Coding change: c.1214A>G on transcript NM_198994.3 (MANE Select); coding-DNA position 1214, A replaced by G.
Protein change: p.His405Arg; replaces histidine 405 with arginine.
Molecular consequence: missense variant.
Genome position (GRCh38, 1-based): chr20:2,403,701, A>G. VCF-style: chr20-2403701-A-G. GRCh37 (hg19) VCF-style: chr20-2384347-A-G.
Other names: c.1214A>G, p.His405Arg (NM_001254734.2); short protein forms H405R.
Identifiers: ClinVar variation 2803219 (VCV002803219.3), dbSNP rs1233149473, ClinGen allele CA408013017.